The following is an entry in ClinVar:

ClinVar aggregate classification (germline): Pathogenic/Likely pathogenic. Review status: criteria provided, multiple submitters, no conflicts (2 of 4 stars). 2 submissions from 2 submitters: Pathogenic (1); Likely pathogenic (1). Last evaluated 2025-03-04.

Conditions:
DICER1-related tumor predisposition. Also called: DICER1 syndrome; DICER1-related pleuropulmonary blastoma cancer predisposition syndrome. Identifiers: Orphanet 284343, MedGen C3839822, MONDO:0100216.

Submissions (2):

Center for Genomic Medicine, Rigshospitalet, Copenhagen University Hospital
Classification: Likely pathogenic. Last evaluated: 2025-03-04. Review status: criteria provided, single submitter. Criteria: ACMG Guidelines, 2015. Collection method: clinical testing. Allele origin: germline.

Department of Clinical Genetics, Copenhagen University Hospital, Rigshospitalet
Classification: Pathogenic for DICER1-related tumor predisposition. Last evaluated: 2025-01-24. Review status: criteria provided, single submitter. Criteria: ACMG Guidelines, 2015. Collection method: clinical testing. Allele origin: germline.
Comment: The following ACMG criteria have been used in classification: PM2_SUP; PVS1; PS4_SUP

NM_177438.3(DICER1):c.1023del (p.His341fs)

Gene: DICER1 (dicer 1, ribonuclease III; minus strand). Cytogenetic location: 14q32.13.
Variant type: Deletion.
Coding change: c.1023del on transcript NM_177438.3 (MANE Select); coding-DNA position 1023, one base deleted (C; older notation c.1023delC).
Protein change: p.His341fs; shifts the reading frame from histidine 341.
Molecular consequence: frameshift variant. On other transcripts: non-coding transcript variant (6), 5 prime UTR variant (1).
Genome position (GRCh38, 1-based): chr14:95,124,549, G deleted on the plus strand (C on the coding strand, the reverse complement: DICER1 is on the minus strand). VCF-style (leftmost placement, unchanged base first): chr14-95124548-TG-T. GRCh37 (hg19) VCF-style: chr14-95590885-TG-T.
Other names: c.618del, p.His206fs (NM_001395688.1, NM_001395689.1, NM_001395690.1 and 3 more transcripts); c.456del, p.His152fs (NM_001395691.1); c.1023del, p.His341fs (NM_001395692.1, NM_001395700.1, NM_030621.4 and 14 more transcripts); c.1023delC (NM_177438.3); c.-546del (NM_001395697.1); c.741del, p.His247fs (NM_001395686.1); short protein forms H152fs, H206fs, H247fs, H341fs.
Identifiers: ClinVar variation 3602764 (VCV003602764.3).